The following is an entry in ClinVar:

NM_030665.4(RAI1):c.3142G>A (p.Ala1048Thr)

Gene: RAI1 (retinoic acid induced 1; plus strand). Cytogenetic location: 17p11.2.
Variant type: single nucleotide variant.
Coding change: c.3142G>A on transcript NM_030665.4 (MANE Select); coding-DNA position 3142, G replaced by A.
Protein change: p.Ala1048Thr; replaces alanine 1048 with threonine.
Molecular consequence: missense variant.
Genome position (GRCh38, 1-based): chr17:17,796,090, G>A. VCF-style: chr17-17796090-G-A. GRCh37 (hg19) VCF-style: chr17-17699404-G-A.
Other names: c.3142G>A (NM_030665.3); short protein forms A1048T.
Identifiers: ClinVar variation 2077672 (VCV002077672.5), dbSNP rs889706395, ClinGen allele CA398552989.

ClinVar aggregate classification (germline): Uncertain significance. Review status: criteria provided, single submitter (1 of 4 stars). 2 submissions from 2 submitters: Uncertain significance (1). 1 of the submissions does not count toward it. Last evaluated 2023-12-11.

Conditions:
RAI1-related disorder. Also called: RAI1-related condition.

Submissions (2):

Labcorp Genetics (formerly Invitae), Labcorp
Classification: Uncertain significance. Last evaluated: 2023-12-11. Review status: criteria provided, single submitter. Criteria: Invitae Variant Classification Sherloc (09022015). Collection method: clinical testing. Allele origin: germline.
Comment: This sequence change replaces alanine, which is neutral and non-polar, with threonine, which is neutral and polar, at codon 1048 of the RAI1 protein (p.Ala1048Thr). The frequency data for this variant in the population databases is considered unreliable, as metrics indicate poor data quality at this position in the gnomAD database. This variant has not been reported in the literature in individuals affected with RAI1-related conditions. ClinVar contains an entry for this variant (Variation ID: 2077672). Advanced modeling of protein sequence and biophysical properties (such as structural, functional, and spatial information, amino acid conservation, physicochemical variation, residue mobility, and thermodynamic stability) performed at Invitae indicates that this missense variant is not expected to disrupt RAI1 protein function with a negative predictive value of 80%. In summary, the available evidence is currently insufficient to determine the role of this variant in disease. Therefore, it has been classified as a Variant of Uncertain Significance.

PreventionGenetics, part of Exact Sciences
Classification: Uncertain significance for RAI1-related condition. Last evaluated: 2024-07-25. Review status: no assertion criteria provided. Collection method: clinical testing. Allele origin: germline. Not counted in ClinVar's aggregate classification.
Comment: The RAI1 c.3142G>A variant is predicted to result in the amino acid substitution p.Ala1048Thr. To our knowledge, this variant has not been reported in the literature. This variant is reported in 0.0071% of alleles in individuals of East Asian descent in gnomAD. At this time, the clinical significance of this variant is uncertain due to the absence of conclusive functional and genetic evidence.